The following is an entry in ClinVar:

NM_004960.4(FUS):c.524-7C>T

Gene: FUS (FUS RNA binding protein; plus strand). Cytogenetic location: 16p11.2.
Variant type: single nucleotide variant.
Coding change: c.524-7C>T on transcript NM_004960.4 (MANE Select); 7 bases into the intron before coding-DNA position 524, C replaced by T.
Molecular consequence: intron variant.
Genome position (GRCh38, 1-based): chr16:31,184,932, C>T. VCF-style: chr16-31184932-C-T. GRCh37 (hg19) VCF-style: chr16-31196253-C-T.
Other names: c.512-7C>T (NM_001170937.1); c.521-7C>T (NM_001170634.1).
Identifiers: ClinVar variation 884517 (VCV000884517.5), dbSNP rs747200795, ClinGen allele CA280594610.
Genomic context (GRCh38, chr16:31,184,932, plus strand): 5'-AAACCTTTTAGTGCTACTTTACAATCTTTTTGTTTTTTTTTTTTAATCATTCTTTCTTTT[C>T]TCACAGGTAACTATGGCCAAGATCAATCCTCCATGAGTAGTGGTGGTGGCAGTGGTGGCG-3'

ClinVar aggregate classification (germline): Uncertain significance. Review status: criteria provided, multiple submitters, no conflicts (2 of 4 stars). 2 submissions from 2 submitters: Uncertain significance (2). Last evaluated 2025-03-28.

Conditions:
FUS-related disorder. Also called: FUS-related condition.
Amyotrophic lateral sclerosis type 6. Also called: Amyotrophic lateral sclerosis 6, with or without frontotemporal dementia; FUS-Related Amyotrophic Laterial Sclerosis; AMYOTROPHIC LATERAL SCLEROSIS 6 WITHOUT FRONTOTEMPORAL DEMENTIA. Identifiers: Orphanet 275872, Orphanet 803, MedGen C2931786, MONDO:0011951, OMIM 608030.

Submissions (2):

PreventionGenetics, part of Exact Sciences
Classification: Uncertain significance for FUS-related condition. Last evaluated: 2025-03-28. Review status: criteria provided, single submitter. Criteria: ACMG Guidelines, 2015. Collection method: clinical testing. Allele origin: germline.
Comment: The FUS c.524-7C>T variant is predicted to interfere with splicing. This variant is not predicted to impact splicing based on available computational predictive programs; however, the impact of this variant has not been functionally validated (SpliceAI, Jaganathan et al. 2019. PubMed ID: 30661751). To our knowledge, this variant has not been reported in the literature. This variant is reported in 0.0064% of alleles in individuals of European (Non-Finnish) descent in gnomAD. Although we suspect that this variant may be benign, at this time, the clinical significance of this variant is uncertain due to the absence of conclusive functional and genetic evidence.

Illumina Laboratory Services, Illumina
Classification: Uncertain significance for Amyotrophic lateral sclerosis type 6. Last evaluated: 2018-01-13. Review status: criteria provided, single submitter. Criteria: ICSL Variant Classification Criteria 13 December 2019. Collection method: clinical testing. Allele origin: germline.